The following is an entry in ClinVar:

NM_000038.6(APC):c.14C>A (p.Ser5Ter)

Gene: APC (APC regulator of Wnt signaling pathway; plus strand). Cytogenetic location: 5q22.2.
Variant type: single nucleotide variant.
Coding change: c.14C>A on transcript NM_000038.6 (MANE Select); coding-DNA position 14, C replaced by A.
Protein change: p.Ser5Ter; replaces serine 5 with a stop codon.
Molecular consequence: nonsense. On other transcripts: 5 prime UTR variant (1), intron variant (8).
Genome position (GRCh38, 1-based): chr5:112,754,904, C>A. VCF-style: chr5-112754904-C-A. GRCh37 (hg19) VCF-style: chr5-112090601-C-A.
Other names: c.14C>A, p.Ser5Ter (NM_001127510.3, NM_001354895.2, NM_001354896.2 and 2 more transcripts); c.-1022C>A (NM_001354906.2); c.166-11422C>A (NM_001354897.2, NM_001354902.2, NM_001127511.3); c.61-11422C>A (NM_001354898.2, NM_001354904.2); c.-42-11422C>A (NM_001354900.2, NM_001354901.2, NM_001354905.2); short protein forms S5*.
Identifiers: ClinVar variation 411429 (VCV000411429.16), dbSNP rs373718658, ClinGen allele CA16021363.

ClinVar aggregate classification (germline): Conflicting classifications of pathogenicity. Review status: criteria provided, conflicting classifications (1 of 4 stars). 4 submissions from 4 submitters: Pathogenic (2); Uncertain significance (2). Last evaluated 2025-09-17.

Conditions:
Familial adenomatous polyposis 1 (FAP1). Also called: FAMILIAL ADENOMATOUS POLYPOSIS 1, ATTENUATED; POLYPOSIS, ADENOMATOUS INTESTINAL. Identifiers: MedGen C2713442, MONDO:0021056, OMIM 175100. Disease mechanism: loss of function.
Hereditary cancer-predisposing syndrome. Also called: Tumor predisposition; Hereditary Cancer Syndrome; Hereditary neoplastic syndrome; Neoplastic Syndromes, Hereditary. Identifiers: Orphanet 140162, MedGen C0027672, MeSH D009386, MONDO:0015356.

gnomAD v4.1: 1 of 1,613,726 alleles (0.000062%); highest among the groups gnomAD compares: African/African-American, 0.0013%; no homozygotes.

Submissions (4):

Quest Diagnostics Nichols Institute San Juan Capistrano
Classification: Uncertain significance. Last evaluated: 2025-09-17. Review status: criteria provided, single submitter. Criteria: Quest Diagnostics criteria. Collection method: clinical testing. Allele origin: unknown.
Comment: The APC c.14C>A (p.Ser5*) variant may cause the premature termination of APC protein synthesis, however, further research is needed. This variant has been reported in the published literature in individuals affected with colorectal cancer (PMID: 29245953 (2017)), pancreatic cancer (PMID: 30267352 (2019)), and breast cancer (Quest Diagnostics internal data), but there is a lack of reports of individuals affected with classical or attenuated polyposis. This variant has not been reported in large, multi-ethnic general populations (Genome Aggregation Database). Based on the available information, we are unable to determine the clinical significance of this variant.

Ambry Genetics
Classification: Uncertain significance for Hereditary cancer-predisposing syndrome. Last evaluated: 2025-09-16. Review status: criteria provided, single submitter. Criteria: Ambry Variant Classification Scheme 2023. Collection method: clinical testing. Allele origin: germline.
Comment: The p.S5* variant (also known as c.14C>A), located in coding exon 1 of the APC gene, results from a C to A substitution at nucleotide position 14. This changes the amino acid from a serine to a stop codon within coding exon 1. The predicted stop codon occurs in the 5&rsquo; end of the gene. Premature termination codons in the 5&rsquo; end of a gene have been reported to escape nonsense-mediated mRNA decay and/or lead to re-initiation (Rivas et al. Science. 2015 May 8;348(6235):666-9; Lindeboom et al. Nat Genet. 2016 Oct;48(10):1112-8; Rhee et al. Sci Rep. 2017 May 10;7(1):1653). The exact functional effect of this alteration is unknown. Since supporting evidence is limited at this time, the clinical significance of this alteration remains unclear.

Myriad Genetics, Inc.
Classification: Pathogenic for Familial adenomatous polyposis 1. Last evaluated: 2023-04-24. Review status: criteria provided, single submitter. Criteria: Myriad Autosomal Dominant, Autosomal Recessive and X-Linked Classification Criteria (2023). Collection method: clinical testing. Allele origin: unknown.
Comment: This variant is considered pathogenic. This variant creates a termination codon and is predicted to result in premature protein truncation.

Labcorp Genetics (formerly Invitae), Labcorp
Classification: Pathogenic for Familial adenomatous polyposis 1. Last evaluated: 2022-09-01. Review status: criteria provided, single submitter. Criteria: Invitae Variant Classification Sherloc (09022015). Collection method: clinical testing. Allele origin: germline.
Comment: For these reasons, this variant has been classified as Pathogenic. ClinVar contains an entry for this variant (Variation ID: 411429). This variant has not been reported in the literature in individuals affected with APC-related conditions. This variant is not present in population databases (gnomAD no frequency). This sequence change creates a premature translational stop signal (p.Ser5*) in the APC gene. It is expected to result in an absent or disrupted protein product. Loss-of-function variants in APC are known to be pathogenic (PMID: 17963004, 20685668).

Literature cited by the submitters: PubMed 29245953 (cited by Quest Diagnostics Nichols Institute San Juan Capistrano); PubMed 30267352 (cited by Quest Diagnostics Nichols Institute San Juan Capistrano); PubMed 17963004 (cited by Labcorp Genetics (formerly Invitae), Labcorp); PubMed 20685668 (cited by Labcorp Genetics (formerly Invitae), Labcorp).